The following is an entry in ClinVar:

ClinVar aggregate classification (germline): Uncertain significance. Review status: criteria provided, multiple submitters, no conflicts (2 of 4 stars). 2 submissions from 2 submitters: Uncertain significance (2). Last evaluated 2019-04-01.

Conditions:
Ehlers-Danlos syndrome, classic type, 1 (EDSCL1). Also called: Ehlers-Danlos Syndrome, Classic Type, COL5A1-Related; EDS I; Ehlers-Danlos syndrome, type 1; EHLERS-DANLOS SYNDROME, GRAVIS TYPE; EHLERS-DANLOS SYNDROME, SEVERE CLASSIC TYPE. Identifiers: MedGen C0268335, MONDO:0019567, OMIM 130000.
Familial thoracic aortic aneurysm and aortic dissection (TAAD). Also called: Thoracic aortic aneurysms and dissections. Identifiers: Orphanet 91387, MedGen C4707243, MONDO:0019625.

Allele frequency attached by ClinVar (database versions not stated): gnomAD exomes below 0.00001.

Submissions (2):

Labcorp Genetics (formerly Invitae), Labcorp
Classification: Uncertain significance for Ehlers-Danlos syndrome, classic type, 1. Last evaluated: 2019-04-01. Review status: criteria provided, single submitter. Criteria: Invitae Variant Classification Sherloc (09022015). Collection method: clinical testing. Allele origin: germline.
Comment: This sequence change replaces serine with cysteine at codon 118 of the COL5A1 protein (p.Ser118Cys). The serine residue is highly conserved and there is a moderate physicochemical difference between serine and cysteine. In summary, the available evidence is currently insufficient to determine the role of this variant in disease. Therefore, it has been classified as a Variant of Uncertain Significance. Algorithms developed to predict the effect of missense changes on protein structure and function are either unavailable or do not agree on the potential impact of this missense change (SIFT: "Deleterious"; PolyPhen-2: "Probably Damaging"; Align-GVGD: "Class C0"). This variant has not been reported in the literature in individuals with COL5A1-related conditions. ClinVar contains an entry for this variant (Variation ID: 519651). This variant is not present in population databases (ExAC no frequency).

Ambry Genetics
Classification: Uncertain significance for Familial thoracic aortic aneurysm and aortic dissection. Last evaluated: 2017-05-24. Review status: criteria provided, single submitter. Criteria: Ambry Variant Classification Scheme 2023. Collection method: clinical testing. Allele origin: germline.
Comment: The p.S118C variant (also known as c.353C>G), located in coding exon 3 of the COL5A1 gene, results from a C to G substitution at nucleotide position 353. The serine at codon 118 is replaced by cysteine, an amino acid with dissimilar properties. This amino acid position is highly conserved in available vertebrate species. In addition, this alteration is predicted to be deleterious by in silico analysis. Since supporting evidence is limited at this time, the clinical significance of this alteration remains unclear.

NM_000093.5(COL5A1):c.353C>G (p.Ser118Cys)

Gene: COL5A1 (collagen type V alpha 1 chain; plus strand). Cytogenetic location: 9q34.3.
Variant type: single nucleotide variant.
Coding change: c.353C>G on transcript NM_000093.5 (MANE Select); coding-DNA position 353, C replaced by G.
Protein change: p.Ser118Cys; replaces serine 118 with cysteine.
Molecular consequence: missense variant.
Genome position (GRCh38, 1-based): chr9:134,699,984, C>G. VCF-style: chr9-134699984-C-G. GRCh37 (hg19) VCF-style: chr9-137591830-C-G.
Other names: c.353C>G, p.Ser118Cys (NM_001278074.1); short protein forms S118C.
Identifiers: ClinVar variation 519651 (VCV000519651.17), dbSNP rs1554781494, ClinGen allele CA375442749.